The following is an entry in ClinVar:

NM_001376.5(DYNC1H1):c.5533T>C (p.Tyr1845His)

Gene: DYNC1H1 (dynein cytoplasmic 1 heavy chain 1; plus strand). Cytogenetic location: 14q32.31.
Variant type: single nucleotide variant.
Coding change: c.5533T>C on transcript NM_001376.5 (MANE Select); coding-DNA position 5533, T replaced by C.
Protein change: p.Tyr1845His; replaces tyrosine 1845 with histidine.
Molecular consequence: missense variant.
Genome position (GRCh38, 1-based): chr14:102,005,987, T>C. VCF-style: chr14-102005987-T-C. GRCh37 (hg19) VCF-style: chr14-102472324-T-C.
Other names: short protein forms Y1845H.
Identifiers: ClinVar variation 1378444 (VCV001378444.6), dbSNP rs2141289638, ClinGen allele CA391048312.

ClinVar aggregate classification (germline): Uncertain significance (1 of 4 stars; one submission).

Conditions:
Charcot-Marie-Tooth disease axonal type 2O. Also called: Charcot-Marie-Tooth disease, axonal, type 20; CHARCOT-MARIE-TOOTH NEUROPATHY, AXONAL, TYPE 2O; CHARCOT-MARIE-TOOTH DISEASE, AXONAL, AUTOSOMAL DOMINANT, TYPE 2O; Charcot-Marie-Tooth Neuropathy Type 2O. Identifiers: Orphanet 284232, MedGen C3280220, MONDO:0013644, OMIM 614228.

Submission:

Labcorp Genetics (formerly Invitae), Labcorp
Classification: Uncertain significance for Charcot-Marie-Tooth disease axonal type 2O. Last evaluated: 2021-09-06. Review status: criteria provided, single submitter. Criteria: Invitae Variant Classification Sherloc (09022015). Collection method: clinical testing. Allele origin: germline.
Comment: This sequence change replaces tyrosine with histidine at codon 1845 of the DYNC1H1 protein (p.Tyr1845His). The tyrosine residue is highly conserved and there is a moderate physicochemical difference between tyrosine and histidine. This variant is not present in population databases (ExAC no frequency). In summary, the available evidence is currently insufficient to determine the role of this variant in disease. Therefore, it has been classified as a Variant of Uncertain Significance. Advanced modeling of protein sequence and biophysical properties (such as structural, functional, and spatial information, amino acid conservation, physicochemical variation, residue mobility, and thermodynamic stability) performed at Invitae indicates that this missense variant is not expected to disrupt DYNC1H1 protein function. This variant has not been reported in the literature in individuals affected with DYNC1H1-related conditions.